The following is an entry in ClinVar:

NM_020715.3(PLEKHH1):c.715T>C (p.Ser239Pro)

Genes: GPHN (gephyrin; plus strand), PLEKHH1 (pleckstrin homology, MyTH4 and FERM domain containing H1; plus strand). Cytogenetic location: 14q24.1.
Variant type: single nucleotide variant.
Coding change: c.715T>C on transcript NM_020715.3 (MANE Select); coding-DNA position 715, T replaced by C.
Protein change: p.Ser239Pro; replaces serine 239 with proline.
Molecular consequence: missense variant.
Genome position (GRCh38, 1-based): chr14:67,562,346, T>C. VCF-style: chr14-67562346-T-C. GRCh37 (hg19) VCF-style: chr14-68029063-T-C.
Other names: short protein forms S239P.
Identifiers: ClinVar variation 3389549 (VCV003389549.14).

ClinVar aggregate classification (germline): Uncertain significance (1 of 4 stars; one submission).

Submission:

CeGaT Center for Human Genetics Tuebingen
Classification: Uncertain significance. Last evaluated: 2024-09-01. Review status: criteria provided, single submitter. Criteria: CeGaT Center For Human Genetics Tuebingen Variant Classification Criteria Version 2. Collection method: clinical testing. Allele origin: germline. Affected: yes. Observed: 1 variant allele.
Comment: PLEKHH1: PM2, BP4